The following is an entry in ClinVar:

ClinVar aggregate classification (germline): Uncertain significance. Review status: criteria provided, multiple submitters, no conflicts (2 of 4 stars). 3 submissions from 3 submitters: Uncertain significance (2). 1 of the submissions does not count toward it. Last evaluated 2025-06-12.

Conditions:
ALG8-related disorder.
Inborn genetic diseases. Identifiers: MedGen C0950123, MeSH D030342.
ALG8 congenital disorder of glycosylation. Also called: CONGENITAL DISORDER OF GLYCOSYLATION, TYPE Ih; CDG Ih; ALG8-CDG. Identifiers: Orphanet 79325, MedGen C2931002, MONDO:0011969, OMIM 608104.

Submissions (3):

Labcorp Genetics (formerly Invitae), Labcorp
Classification: Uncertain significance for ALG8 congenital disorder of glycosylation. Last evaluated: 2025-06-12. Review status: criteria provided, single submitter. Criteria: Invitae Variant Classification Sherloc (09022015). Collection method: clinical testing. Allele origin: germline.
Comment: This sequence change replaces alanine, which is neutral and non-polar, with valine, which is neutral and non-polar, at codon 250 of the ALG8 protein (p.Ala250Val). This variant is present in population databases (rs374565566, gnomAD 0.02%). This variant has not been reported in the literature in individuals affected with ALG8-related conditions. ClinVar contains an entry for this variant (Variation ID: 3358783). Invitae Evidence Modeling of protein sequence and biophysical properties (such as structural, functional, and spatial information, amino acid conservation, physicochemical variation, residue mobility, and thermodynamic stability) indicates that this missense variant is not expected to disrupt ALG8 protein function with a negative predictive value of 80%. In summary, the available evidence is currently insufficient to determine the role of this variant in disease. Therefore, it has been classified as a Variant of Uncertain Significance.

Ambry Genetics
Classification: Uncertain significance for Inborn genetic diseases. Last evaluated: 2025-03-25. Review status: criteria provided, single submitter. Criteria: Ambry Variant Classification Scheme 2023. Collection method: clinical testing. Allele origin: germline.

PreventionGenetics, part of Exact Sciences
Classification: Uncertain significance for ALG8-related condition. Last evaluated: 2024-03-05. Review status: no assertion criteria provided. Collection method: clinical testing. Allele origin: germline. Not counted in ClinVar's aggregate classification.
Comment: The ALG8 c.749C>T variant is predicted to result in the amino acid substitution p.Ala250Val. To our knowledge, this variant has not been reported in the literature. This variant is reported in 0.020% of alleles in individuals of African descent in gnomAD. At this time, the clinical significance of this variant is uncertain due to the absence of conclusive functional and genetic evidence.

NM_024079.5(ALG8):c.749C>T (p.Ala250Val)

Gene: ALG8 (ALG8 alpha-1,3-glucosyltransferase; minus strand). Cytogenetic location: 11q14.1.
Variant type: single nucleotide variant.
Coding change: c.749C>T on transcript NM_024079.5 (MANE Select); coding-DNA position 749, C replaced by T.
Protein change: p.Ala250Val; replaces alanine 250 with valine.
Molecular consequence: missense variant. On other transcripts: non-coding transcript variant (2), intron variant (2).
Genome position (GRCh38, 1-based): chr11:78,113,914, G>A on the plus strand (C>T on the coding strand, the complement: ALG8 is on the minus strand). VCF-style: chr11-78113914-G-A. GRCh37 (hg19) VCF-style: chr11-77824960-G-A.
Other names: c.749C>T, p.Ala250Val (NM_001007027.3, NM_001425221.1, NM_001425222.1 and 10 more transcripts); c.752C>T, p.Ala251Val (NM_001425219.1); c.734C>T, p.Ala245Val (NM_001425220.1); c.842C>T, p.Ala281Val (NM_001425224.1); c.596C>T, p.Ala199Val (NM_001425226.1, NM_001425235.1, NM_001425236.1); c.548C>T, p.Ala183Val (NM_001425231.1); c.485C>T, p.Ala162Val (NM_001425234.1, NM_001425239.1); c.233C>T, p.Ala78Val (NM_001425241.1); and 3 more; short protein forms A162V, A183V, A199V, A245V, A250V, A251V, A281V, A65V.
Identifiers: ClinVar variation 3358783 (VCV003358783.4).